The following is an entry in ClinVar:

ClinVar aggregate classification (germline): Uncertain significance (1 of 4 stars; one submission).

Conditions:
Martsolf syndrome (MARTS). Also called: Congenital cataract with intellectual disability and hypogonadotropic hypogonadism syndrome. Identifiers: Orphanet 1387, MedGen C0796037, MONDO:0023910.
Warburg micro syndrome 2 (WARBM2). Also called: MICRO SYNDROME 2. Identifiers: Orphanet 2510, MedGen C3280214, MONDO:0013641, OMIM 614225.

Allele frequency attached by ClinVar (database versions not stated): gnomAD exomes 0.00001; ExAC 0.00002; gnomAD 0.00002; TOPMed 0.00002.

Submission:

Labcorp Genetics (formerly Invitae), Labcorp
Classification: Uncertain significance for Martsolf syndrome; Warburg micro syndrome 2. Last evaluated: 2022-07-11. Review status: criteria provided, single submitter. Criteria: Invitae Variant Classification Sherloc (09022015). Collection method: clinical testing. Allele origin: germline.
Comment: This sequence change replaces arginine, which is basic and polar, with cysteine, which is neutral and slightly polar, at codon 150 of the RAB3GAP2 protein (p.Arg150Cys). This variant is present in population databases (rs767664284, gnomAD 0.006%). This variant has not been reported in the literature in individuals affected with RAB3GAP2-related conditions. ClinVar contains an entry for this variant (Variation ID: 962027). Algorithms developed to predict the effect of missense changes on protein structure and function (SIFT, PolyPhen-2, Align-GVGD) all suggest that this variant is likely to be tolerated. In summary, the available evidence is currently insufficient to determine the role of this variant in disease. Therefore, it has been classified as a Variant of Uncertain Significance.

NM_012414.4(RAB3GAP2):c.448C>T (p.Arg150Cys)

Gene: RAB3GAP2 (RAB3 GTPase activating non-catalytic protein subunit 2; minus strand). Cytogenetic location: 1q41.
Variant type: single nucleotide variant.
Coding change: c.448C>T on transcript NM_012414.4 (MANE Select); coding-DNA position 448, C replaced by T.
Protein change: p.Arg150Cys; replaces arginine 150 with cysteine.
Molecular consequence: missense variant.
Genome position (GRCh38, 1-based): chr1:220,210,863, G>A on the plus strand (C>T on the coding strand, the complement: RAB3GAP2 is on the minus strand). VCF-style: chr1-220210863-G-A. GRCh37 (hg19) VCF-style: chr1-220384205-G-A.
Other names: short protein forms R150C.
Identifiers: ClinVar variation 962027 (VCV000962027.9), dbSNP rs767664284, ClinGen allele CA1403013.